The following is an entry in ClinVar:

ClinVar aggregate classification (germline): Uncertain significance (1 of 4 stars; one submission).

Conditions:
Early-infantile DEE. Also called: Early infantile epileptic encephalopathy with suppression bursts; Early infantile epileptic encephalopathy; Ohtahara syndrome. Identifiers: Orphanet 1934, MedGen C0393706, MONDO:0800491.

Allele frequency attached by ClinVar (database versions not stated): gnomAD exomes below 0.00001.
gnomAD v4.1: 1 of 1,604,316 alleles (0.000062%); highest among the groups gnomAD compares: Non-Finnish European, 0.000085%; no homozygotes.

Submission:

Labcorp Genetics (formerly Invitae), Labcorp
Classification: Uncertain significance for Early-infantile DEE. Last evaluated: 2022-01-11. Review status: criteria provided, single submitter. Criteria: Invitae Variant Classification Sherloc (09022015). Collection method: clinical testing. Allele origin: germline.
Comment: In summary, the available evidence is currently insufficient to determine the role of this variant in disease. Therefore, it has been classified as a Variant of Uncertain Significance. Algorithms developed to predict the effect of missense changes on protein structure and function are either unavailable or do not agree on the potential impact of this missense change (SIFT: "Deleterious"; PolyPhen-2: "Probably Damaging"; Align-GVGD: "Class C0"). ClinVar contains an entry for this variant (Variation ID: 575774). This missense change has been observed in individual(s) with clinical features of SCN8A-related conditions (Invitae). This variant is not present in population databases (gnomAD no frequency). This sequence change replaces asparagine, which is neutral and polar, with serine, which is neutral and polar, at codon 646 of the SCN8A protein (p.Asn646Ser).

NM_001330260.2(SCN8A):c.1937A>G (p.Asn646Ser)

Gene: SCN8A (sodium voltage-gated channel alpha subunit 8; plus strand). Cytogenetic location: 12q13.13.
Variant type: single nucleotide variant.
Coding change: c.1937A>G on transcript NM_001330260.2 (MANE Select); coding-DNA position 1937, A replaced by G.
Protein change: p.Asn646Ser; replaces asparagine 646 with serine.
Molecular consequence: missense variant.
Genome position (GRCh38, 1-based): chr12:51,721,847, A>G. VCF-style: chr12-51721847-A-G. GRCh37 (hg19) VCF-style: chr12-52115631-A-G.
Other names: c.1937A>G, p.Asn646Ser (NM_001177984.3, NM_001369788.1, NM_014191.4); short protein forms N646S.
Identifiers: ClinVar variation 575774 (VCV000575774.9), dbSNP rs1565900032, ClinGen allele CA385229898.
Genomic context (GRCh38, chr12:51,721,847, plus strand): 5'-CCTCGCGCATCTTCCCCAGCCTGCGGCGCAGCGTGAAGCGCAACAGCACGGTGGACTGCA[A>G]CGGCGTGGTGTCCCTCATCGGCGGCCCCGGCTCCCACATCGGCGGGCGTCTCCTGCCAGA-3'
Protein context (NP_001317189.1, residues 636-656): SVKRNSTVDC[Asn646Ser]GVVSLIGGPG